The following is an entry in ClinVar:

ClinVar aggregate classification (germline): Uncertain significance (1 of 4 stars; one submission).

Conditions:
3-methylglutaconic aciduria, type VIIB (MGCA7B). Also called: CLPB Deficiency; 3-methylglutaconic aciduria, type VII, with cataracts, neurologic involvement and neutropenia; 3-methylglutaconic aciduria with cataracts, neurologic involvement and neutropenia. Identifiers: Orphanet 445038, MedGen C5676893, MONDO:0014561, OMIM 616271.

Submission:

Labcorp Genetics (formerly Invitae), Labcorp
Classification: Uncertain significance for 3-methylglutaconic aciduria, type VIIB. Last evaluated: 2025-08-21. Review status: criteria provided, single submitter. Criteria: Invitae Variant Classification Sherloc (09022015). Collection method: clinical testing. Allele origin: germline.
Comment: This sequence change replaces leucine, which is neutral and non-polar, with phenylalanine, which is neutral and non-polar, at codon 242 of the CLPB protein (p.Leu242Phe). This variant is not present in population databases (gnomAD no frequency). This variant has not been reported in the literature in individuals affected with CLPB-related conditions. An algorithm developed to predict the effect of missense changes on protein structure and function (PolyPhen-2) suggests that this variant is likely to be tolerated. In summary, the available evidence is currently insufficient to determine the role of this variant in disease. Therefore, it has been classified as a Variant of Uncertain Significance.

NM_030813.6(CLPB):c.724C>T (p.Leu242Phe)

Gene: CLPB (ClpB family mitochondrial disaggregase; minus strand). Cytogenetic location: 11q13.4.
Variant type: single nucleotide variant.
Coding change: c.724C>T on transcript NM_030813.6 (MANE Plus Clinical); coding-DNA position 724, C replaced by T.
Protein change: p.Leu242Phe; replaces leucine 242 with phenylalanine.
Molecular consequence: missense variant. On other transcripts: intron variant (2).
Genome position (GRCh38, 1-based): chr11:72,372,937, G>A on the plus strand (C>T on the coding strand, the complement: CLPB is on the minus strand). VCF-style: chr11-72372937-G-A. GRCh37 (hg19) VCF-style: chr11-72083981-G-A.
Other names: c.589C>T, p.Leu197Phe (NM_001258394.3); c.559+7344C>T (NM_001258393.3); c.646+7344C>T (NM_001258392.3); short protein forms L242F, L197F.
Identifiers: ClinVar variation 4725183 (VCV004725183.1).
Genomic context (GRCh38, chr11:72,372,937, plus strand): 5'-GCATGTCCTGGGGAGGGGGAGAAATATTATACAGAGCAGTTCCATTACCGCCAGCGGGGA[G>A]TCCTAGCCATCTCCTGAACTCCAGGGCACTTGTCCACTGGTTTGTGATGTGCCGGCTTGC-3'
Protein context (NP_110440.1, residues 232-252): SALEFRRWLG[Leu242Phe]PAGVLITRED